The following is an entry in ClinVar:

NM_053025.4(MYLK):c.4013C>G (p.Pro1338Arg)

Gene: MYLK (myosin light chain kinase; minus strand). Cytogenetic location: 3q21.1.
Variant type: single nucleotide variant.
Coding change: c.4013C>G on transcript NM_053025.4 (MANE Select); coding-DNA position 4013, C replaced by G.
Protein change: p.Pro1338Arg; replaces proline 1338 with arginine.
Molecular consequence: missense variant.
Genome position (GRCh38, 1-based): chr3:123,657,401, G>C on the plus strand (C>G on the coding strand, the complement: MYLK is on the minus strand). VCF-style: chr3-123657401-G-C. GRCh37 (hg19) VCF-style: chr3-123376248-G-C.
Other names: c.3485C>G, p.Pro1162Arg (NM_001321309.2); c.3806C>G, p.Pro1269Arg (NM_053026.4, NM_053028.4); c.4013C>G, p.Pro1338Arg (NM_053027.4); short protein forms P1162R, P1338R, P1269R.
Identifiers: ClinVar variation 1737037 (VCV001737037.2), dbSNP rs2059422916, ClinGen allele CA354228317.

ClinVar aggregate classification (germline): Uncertain significance (1 of 4 stars; one submission).

Conditions:
Familial thoracic aortic aneurysm and aortic dissection (TAAD). Also called: Thoracic aortic aneurysms and dissections. Identifiers: Orphanet 91387, MedGen C4707243, MONDO:0019625.

gnomAD v4.1: 1 of 1,613,768 alleles (0.000062%); no homozygotes.

Submission:

Ambry Genetics
Classification: Uncertain significance for Familial thoracic aortic aneurysm and aortic dissection. Last evaluated: 2022-10-07. Review status: criteria provided, single submitter. Criteria: Ambry Variant Classification Scheme 2023. Collection method: clinical testing. Allele origin: germline.
Comment: The p.P1338R variant (also known as c.4013C>G), located in coding exon 21 of the MYLK gene, results from a C to G substitution at nucleotide position 4013. The proline at codon 1338 is replaced by arginine, an amino acid with dissimilar properties. This amino acid position is conserved. In addition, this alteration is predicted to be deleterious by in silico analysis. Since supporting evidence is limited at this time, the clinical significance of this alteration remains unclear.